The following is an entry in ClinVar:

NM_001371928.1(AHDC1):c.3038_3047del (p.Ser1013fs)

Gene: AHDC1 (AT-hook DNA binding motif containing 1; minus strand). Cytogenetic location: 1p36.11.
Variant type: Deletion.
Coding change: c.3038_3047del on transcript NM_001371928.1 (MANE Select); coding-DNA positions 3038 to 3047, 10 bases deleted (GCAGCGCCCA; older notation c.3038_3047delGCAGCGCCCA).
Protein change: p.Ser1013fs; shifts the reading frame from serine 1013.
Molecular consequence: frameshift variant.
Genome position (GRCh38, 1-based): chr1:27,549,069-27,549,078, TGGGCGCTGC deleted on the plus strand (GCAGCGCCCA on the coding strand, the reverse complement: AHDC1 is on the minus strand); deleting any 10 consecutive bases within chr1:27,549,069-27,549,082 gives the same sequence; the c. name uses the placement nearest the transcript's 3' end. VCF-style (leftmost placement, unchanged base first): chr1-27549068-GTGGGCGCTGC-G. GRCh37 (hg19) VCF-style: chr1-27875579-GTGGGCGCTGC-G.
Other names: c.3038_3047del, p.Ser1013fs (NM_001029882.3); short protein forms S1013fs.
Identifiers: ClinVar variation 2120496 (VCV002120496.4), dbSNP rs2521898391, ClinGen allele CA2580062663.

ClinVar aggregate classification (germline): Pathogenic (1 of 4 stars; one submission).

Submission:

Labcorp Genetics (formerly Invitae), Labcorp
Classification: Pathogenic. Last evaluated: 2022-04-04. Review status: criteria provided, single submitter. Criteria: Invitae Variant Classification Sherloc (09022015). Collection method: clinical testing. Allele origin: germline.
Comment: This sequence change creates a premature translational stop signal (p.Ser1013Thrfs*126) in the AHDC1 gene. It is expected to result in an absent or disrupted protein product. Loss-of-function variants in AHDC1 are known to be pathogenic (PMID: 24791903, 27148574). This variant is not present in population databases (gnomAD no frequency). This variant has not been reported in the literature in individuals affected with AHDC1-related conditions. For these reasons, this variant has been classified as Pathogenic.

Literature cited by the submitters: PubMed 24791903; PubMed 27148574.